The following is an entry in ClinVar:

ClinVar aggregate classification (germline): Pathogenic (1 of 4 stars; one submission).

Conditions:
Sjögren-Larsson syndrome (SLS). Also called: FALDH DEFICIENCY; FATTY ALCOHOL:NAD+ OXIDOREDUCTASE DEFICIENCY; FATTY ALDEHYDE DEHYDROGENASE DEFICIENCY; ICHTHYOSIS, SPASTIC NEUROLOGIC DISORDER, AND OLIGOPHRENIA. Identifiers: Orphanet 816, MedGen C0037231, MONDO:0010031, OMIM 270200.

Submission:

Myriad Genetics, Inc.
Classification: Pathogenic for Sjögren-Larsson syndrome. Last evaluated: 2025-12-03. Review status: criteria provided, single submitter. Criteria: Myriad Autosomal Dominant, Autosomal Recessive and X-Linked Classification Criteria (2023). Collection method: clinical testing. Allele origin: unknown.
Comment: NM_000382.2(ALDH3A2):c.469C>T(Q157*) is expected to be pathogenic in the context of Sjogren-Larsson syndrome. This variant is predicted to lead to an abnormal or absent protein product due to the creation of a premature termination codon in ALDH3A2, a gene where loss-of-function variants are known to be pathogenic. Please note: this variant was assessed in the context of healthy population screening.

NM_000382.3(ALDH3A2):c.469C>T (p.Gln157Ter)

Gene: ALDH3A2 (aldehyde dehydrogenase 3 family member A2; plus strand). Cytogenetic location: 17p11.2.
Variant type: single nucleotide variant.
Coding change: c.469C>T on transcript NM_000382.3 (MANE Select); coding-DNA position 469, C replaced by T.
Protein change: p.Gln157Ter; replaces glutamine 157 with a stop codon.
Molecular consequence: nonsense. On other transcripts: 5 prime UTR variant (1).
Genome position (GRCh38, 1-based): chr17:19,652,630, C>T. VCF-style: chr17-19652630-C-T. GRCh37 (hg19) VCF-style: chr17-19555943-C-T.
Other names: c.469C>T, p.Gln157Ter (NM_001031806.2, NM_001369136.1, NM_001369137.2 and 3 more transcripts); c.-220C>T (NM_001369148.2); short protein forms Q157*.
Identifiers: ClinVar variation 5015288 (VCV005015288.1).